The following is an entry in ClinVar:

NM_021813.4(BACH2):c.1586C>T (p.Ala529Val)

Gene: BACH2 (BACH transcriptional regulator 2; minus strand). Cytogenetic location: 6q15.
Variant type: single nucleotide variant.
Coding change: c.1586C>T on transcript NM_021813.4 (MANE Select); coding-DNA position 1586, C replaced by T.
Protein change: p.Ala529Val; replaces alanine 529 with valine.
Molecular consequence: missense variant.
Genome position (GRCh38, 1-based): chr6:89,950,520, G>A on the plus strand (C>T on the coding strand, the complement: BACH2 is on the minus strand). VCF-style: chr6-89950520-G-A. GRCh37 (hg19) VCF-style: chr6-90660239-G-A.
Other names: c.1586C>T, p.Ala529Val (NM_001170794.2); short protein forms A529V.
Identifiers: ClinVar variation 1427180 (VCV001427180.10), dbSNP rs576225753, ClinGen allele CA3927960.

ClinVar aggregate classification (germline): Uncertain significance. Review status: criteria provided, multiple submitters, no conflicts (2 of 4 stars). 2 submissions from 2 submitters: Uncertain significance (2). Last evaluated 2025-12-24.

Allele frequency attached by ClinVar (database versions not stated): ExAC 0.00002; gnomAD exomes 0.00002; gnomAD 0.00003; TOPMed 0.00003; 1000 Genomes Project 30x 0.00016; 1000 Genomes Project 0.00020.
gnomAD v4.1: 23 of 1,613,520 alleles (0.0014%); highest among the groups gnomAD compares: Admixed American, 0.0033%; no homozygotes.

Submissions (2):

Labcorp Genetics (formerly Invitae), Labcorp
Classification: Uncertain significance. Last evaluated: 2025-12-24. Review status: criteria provided, single submitter. Criteria: Invitae Variant Classification Sherloc (09022015). Collection method: clinical testing. Allele origin: germline.
Comment: This sequence change replaces alanine, which is neutral and non-polar, with valine, which is neutral and non-polar, at codon 529 of the BACH2 protein (p.Ala529Val). This variant is present in population databases (rs576225753, gnomAD 0.004%). This variant has not been reported in the literature in individuals affected with BACH2-related conditions. ClinVar contains an entry for this variant (Variation ID: 1427180). Invitae Evidence Modeling of protein sequence and biophysical properties (such as structural, functional, and spatial information, amino acid conservation, physicochemical variation, residue mobility, and thermodynamic stability) indicates that this missense variant is not expected to disrupt BACH2 protein function with a negative predictive value of 80%. In summary, the available evidence is currently insufficient to determine the role of this variant in disease. Therefore, it has been classified as a Variant of Uncertain Significance.

Greenwood Genetic Center Diagnostic Laboratories, Greenwood Genetic Center
Classification: Uncertain significance. Last evaluated: 2022-05-04. Review status: criteria provided, single submitter. Criteria: ACMG Guidelines, 2015. Collection method: clinical testing. Allele origin: germline. Affected: yes.
Comment: No Applicable ACMG Criteria